The following is an entry in ClinVar:

NM_000092.5(COL4A4):c.586G>C (p.Gly196Arg)

Gene: COL4A4 (collagen type IV alpha 4 chain; minus strand). Cytogenetic location: 2q36.3.
Variant type: single nucleotide variant.
Coding change: c.586G>C on transcript NM_000092.5 (MANE Select); coding-DNA position 586, G replaced by C.
Protein change: p.Gly196Arg; replaces glycine 196 with arginine.
Molecular consequence: missense variant.
Genome position (GRCh38, 1-based): chr2:227,111,686, C>G on the plus strand (G>C on the coding strand, the complement: COL4A4 is on the minus strand). VCF-style: chr2-227111686-C-G. GRCh37 (hg19) VCF-style: chr2-227976402-C-G.
Other names: short protein forms G196R.
Identifiers: ClinVar variation 4687750 (VCV004687750.1).
Genomic context (GRCh38, chr2:227,111,686, plus strand): 5'-ATAGGCTATTTGAGGAGGAAATAGAAGCATAGAGCCTGCTCAGGAGACTTACTGGTAAGC[C>G]AGGCAGTCCTGGGTCCCCTCTGTCTCCCTGCAAAAATAAGAATGCATTGCTTTAAGTCCA-3'
Protein context (NP_000083.3, residues 186-206): QGDRGDPGLP[Gly196Arg]LPGSWGAGGP

ClinVar aggregate classification (germline): Uncertain significance (1 of 4 stars; one submission).

Submission:

Women's Health and Genetics/Laboratory Corporation of America, LabCorp
Classification: Uncertain significance. Last evaluated: 2025-10-27. Review status: criteria provided, single submitter. Criteria: LabCorp Variant Classification Summary - May 2015. Collection method: clinical testing. Allele origin: germline.
Comment: Variant summary: COL4A4 c.586G>C (p.Gly196Arg) results in a non-conservative amino acid change in the encoded protein sequence. Algorithms developed to predict the effect of missense changes on protein structure and function all suggest that this variant is likely to be disruptive. The variant was absent in 249418 control chromosomes. The available data on variant occurrences in the general population are insufficient to allow any conclusion about variant significance. To our knowledge, no occurrence of c.586G>C in individuals affected with COL4A4-related conditions and no experimental evidence demonstrating its impact on protein function have been reported. No submitters have cited clinical-significance assessments for this variant to ClinVar. Based on the evidence outlined above, the variant was classified as uncertain significance.